The following is an entry in ClinVar:

ClinVar aggregate classification (germline): Likely benign (1 of 4 stars; one submission).

Allele frequency attached by ClinVar (database versions not stated): 1000 Genomes Project 30x 0.00265; 1000 Genomes Project 0.00300; ESP Exome Variant Server 0.00482; gnomAD exomes 0.00744; gnomAD 0.00773; ExAC 0.00969.
gnomAD v4.1: 11,845 of 1,599,210 alleles (0.74%); highest among the groups gnomAD compares: Non-Finnish European, 0.69%; 767 homozygotes.

Submission:

CeGaT Center for Human Genetics Tuebingen
Classification: Likely benign. Last evaluated: 2024-12-01. Review status: criteria provided, single submitter. Criteria: CeGaT Center For Human Genetics Tuebingen Variant Classification Criteria Version 2. Collection method: clinical testing. Allele origin: germline. Affected: yes. Observed: 3 variant alleles.
Comment: PRAMEF4: BS2

NM_001009611.4(PRAMEF4):c.128T>C (p.Met43Thr)

Gene: PRAMEF4 (PRAME family member 4; minus strand). Cytogenetic location: 1p36.21.
Variant type: single nucleotide variant.
Coding change: c.128T>C on transcript NM_001009611.4 (MANE Select); coding-DNA position 128, T replaced by C.
Protein change: p.Met43Thr; replaces methionine 43 with threonine.
Molecular consequence: missense variant.
Genome position (GRCh38, 1-based): chr1:12,883,267, A>G on the plus strand (T>C on the coding strand, the complement: PRAMEF4 is on the minus strand). VCF-style: chr1-12883267-A-G. GRCh37 (hg19) VCF-style: chr1-12943088-A-G.
Other names: short protein forms M43T.
Identifiers: ClinVar variation 2638278 (VCV002638278.24), dbSNP rs146128733, ClinGen allele CA18151670.